The following is an entry in ClinVar:

NM_000273.3(GPR143):c.767+4_767+10delinsTTAATAATTTAATTATTTAATTAT

Gene: GPR143 (G protein-coupled receptor 143; minus strand). Cytogenetic location: Xp22.2.
Variant type: Indel.
Coding change: c.767+4_767+10delinsTTAATAATTTAATTATTTAATTAT on transcript NM_000273.3 (MANE Select); bases 4 to 10 of the intron after coding-DNA position 767, ACCTTTC replaced by TTAATAATTTAATTATTTAATTAT.
Molecular consequence: intron variant.
Genome position (GRCh38, 1-based): chrX:9,743,555-9,743,561, GAAAGGT replaced by ATAATTAAATAATTAAATTATTAA on the plus strand (ACCTTTC replaced by TTAATAATTTAATTATTTAATTAT on the coding strand, the reverse complement: GPR143 is on the minus strand). VCF-style: chrX-9743555-GAAAGGT-ATAATTAAATAATTAAATTATTAA. GRCh37 (hg19) VCF-style: chrX-9711595-GAAAGGT-ATAATTAAATAATTAAATTATTAA.
Identifiers: ClinVar variation 3699789 (VCV003699789.2).
Genomic context (GRCh38, chrX:9,743,555, plus strand): 5'-AACATGGCAAGTTGTTTCCATAGCCCTTCCCACTGGCAATAAAAATACACATATATAGAA[GAAAGGT>ATAATTAAATAATTAAATTATTAA]TACCAAATAATTAAAACCAGCATGATTTTGAAAAATCGGATCTTGATCACGGCTCCCATC-3'

ClinVar aggregate classification (germline): Uncertain significance (1 of 4 stars; one submission).

Submission:

Labcorp Genetics (formerly Invitae), Labcorp
Classification: Uncertain significance. Last evaluated: 2022-11-10. Review status: criteria provided, single submitter. Criteria: Invitae Variant Classification Sherloc (09022015). Collection method: clinical testing. Allele origin: germline.
Comment: This sequence change falls in intron 6 of the GPR143 gene. It does not directly change the encoded amino acid sequence of the GPR143 protein. It affects a nucleotide within the consensus splice site. Information on the frequency of this variant in the gnomAD database is not available, as this variant may be reported differently in the database. This variant has not been reported in the literature in individuals affected with GPR143-related conditions. Variants that disrupt the consensus splice site are a relatively common cause of aberrant splicing (PMID: 17576681, 9536098). In summary, the available evidence is currently insufficient to determine the role of this variant in disease. Therefore, it has been classified as a Variant of Uncertain Significance.

Literature cited by the submitters: PubMed 17576681; PubMed 9536098.